The following is an entry in ClinVar:

NM_002693.3(POLG):c.1956C>T (p.Ile652=)

Gene: POLG (DNA polymerase gamma, catalytic subunit; minus strand). Cytogenetic location: 15q26.1.
Variant type: single nucleotide variant.
Coding change: c.1956C>T on transcript NM_002693.3 (MANE Select); coding-DNA position 1956, C replaced by T.
Protein change: p.Ile652=; no amino-acid change (isoleucine 652 retained).
Molecular consequence: synonymous variant.
Genome position (GRCh38, 1-based): chr15:89,324,221, G>A on the plus strand (C>T on the coding strand, the complement: POLG is on the minus strand). VCF-style: chr15-89324221-G-A. GRCh37 (hg19) VCF-style: chr15-89867452-G-A.
Other names: c.1956C>T, p.Ile652= (NM_001126131.2).
Identifiers: ClinVar variation 193857 (VCV000193857.15), dbSNP rs757860628, ClinGen allele CA239534.
Genomic context (GRCh38, chr15:89,324,221, plus strand): 5'-CTCCTGGGGCATCAGCTGCTGCTTCCCCTGTTCGAGACAGTGCTTCCTGTACAGGGACTC[G>A]ATGGCTCTGGGCAGAGAACAGTAGCAGCAGCAGCCGCTGATTACCAGATGCCCACTCTGG-3'
Protein context (NP_002684.1, residues 642-662): SAGVVCPYRA[Ile652=]ESLYRKHCLE

ClinVar aggregate classification (germline): Conflicting classifications of pathogenicity. Review status: criteria provided, conflicting classifications (1 of 4 stars). 4 submissions from 4 submitters: Uncertain significance (1); Likely benign (3). Last evaluated 2026-02-07.

Conditions:
POLG-related disorder. Also called: POLG-related condition; POLG-Related Disorders; POLG-Related Spectrum Disorders. Identifiers: MedGen C4763519.
Progressive sclerosing poliodystrophy (MTDPS4A). Also called: Mitochondrial DNA depletion syndrome 4A (Alpers type); Alpers Syndrome; NEURONAL DEGENERATION OF CHILDHOOD WITH LIVER DISEASE, PROGRESSIVE; ALPERS PROGRESSIVE INFANTILE POLIODYSTROPHY; ALPERS DIFFUSE DEGENERATION OF CEREBRAL GRAY MATTER WITH HEPATIC CIRRHOSIS; Alpers-Huttenlocher Syndrome. Identifiers: Orphanet 726, MedGen C0205710, MONDO:0008758, OMIM 203700.

Allele frequency attached by ClinVar (database versions not stated): gnomAD exomes 0.00001 and 0.00002; TOPMed 0.00001; ExAC 0.00002; gnomAD 0.00003.

Submissions (4):

PreventionGenetics, part of Exact Sciences
Classification: Likely benign for POLG-related condition. Last evaluated: 2026-02-07. Review status: criteria provided, single submitter. Criteria: ACMG Guidelines, 2015. Collection method: clinical testing. Allele origin: germline.
Comment: This variant is classified as likely benign based on ACMG/AMP sequence variant interpretation guidelines (Richards et al. 2015 PMID: 25741868, with internal and published modifications).

Labcorp Genetics (formerly Invitae), Labcorp
Classification: Likely benign for Progressive sclerosing poliodystrophy. Last evaluated: 2025-06-15. Review status: criteria provided, single submitter. Criteria: Invitae Variant Classification Sherloc (09022015). Collection method: clinical testing. Allele origin: germline.

GeneDx
Classification: Likely benign. Last evaluated: 2016-06-23. Review status: criteria provided, single submitter. Criteria: GeneDx Variant Classification (06012015). Collection method: clinical testing. Allele origin: germline. Affected: yes.
Comment: This variant is considered likely benign or benign based on one or more of the following criteria: it is a conservative change, it occurs at a poorly conserved position in the protein, it is predicted to be benign by multiple in silico algorithms, and/or has population frequency not consistent with disease.

Eurofins Ntd Llc (ga)
Classification: Uncertain significance. Last evaluated: 2015-05-12. Review status: criteria provided, single submitter. Criteria: EGL Classification Definitions 2015. Collection method: clinical testing. Allele origin: germline. Observed: 1 variant allele, 1 heterozygote.